The following is an entry in ClinVar:

NM_004612.4(TGFBR1):c.367C>T (p.Pro123Ser)

Gene: TGFBR1 (transforming growth factor beta receptor 1; plus strand). Cytogenetic location: 9q22.33.
Variant type: single nucleotide variant.
Coding change: c.367C>T on transcript NM_004612.4 (MANE Select); coding-DNA position 367, C replaced by T.
Protein change: p.Pro123Ser; replaces proline 123 with serine.
Molecular consequence: missense variant. On other transcripts: intron variant (1).
Genome position (GRCh38, 1-based): chr9:99,132,532, C>T. VCF-style: chr9-99132532-C-T. GRCh37 (hg19) VCF-style: chr9-101894814-C-T.
Other names: c.379C>T, p.Pro127Ser (NM_001306210.2); c.343+3432C>T (NM_001130916.3); short protein forms P123S, P127S.
Identifiers: ClinVar variation 520222 (VCV000520222.5), dbSNP rs1554699525, ClinGen allele CA374227816.

ClinVar aggregate classification (germline): Uncertain significance (1 of 4 stars; one submission).

Conditions:
Familial thoracic aortic aneurysm and aortic dissection (TAAD). Also called: Thoracic aortic aneurysms and dissections. Identifiers: Orphanet 91387, MedGen C4707243, MONDO:0019625.

Submission:

Ambry Genetics
Classification: Uncertain significance for Familial thoracic aortic aneurysm and aortic dissection. Last evaluated: 2016-06-29. Review status: criteria provided, single submitter. Criteria: Ambry Variant Classification Scheme 2023. Collection method: clinical testing. Allele origin: germline.
Comment: The p.P123S variant (also known as c.367C>T), located in coding exon 3 of the TGFBR1 gene, results from a C to T substitution at nucleotide position 367. The proline at codon 123 is replaced by serine, an amino acid with similar properties. This variant was not reported in population based cohorts in the following databases: Database of Single Nucleotide Polymorphisms (dbSNP), NHLBI Exome Sequencing Project (ESP), and 1000 Genomes Project. In the ESP, this variant was not observed in 6503 samples (13006 alleles) with coverage at this position. This amino acid position is highly conserved in available vertebrate species. In addition, the in silico prediction for this alteration is inconclusive. Since supporting evidence is limited at this time, the clinical significance of this variant remains unclear.